The following is an entry in ClinVar:

NM_004371.4(COPA):c.2950A>T (p.Asn984Tyr)

Gene: COPA (coat protein complex I subunit alpha; minus strand). Cytogenetic location: 1q23.2.
Variant type: single nucleotide variant.
Coding change: c.2950A>T on transcript NM_004371.4 (MANE Select); coding-DNA position 2950, A replaced by T.
Protein change: p.Asn984Tyr; replaces asparagine 984 with tyrosine.
Molecular consequence: missense variant.
Genome position (GRCh38, 1-based): chr1:160,292,494, T>A on the plus strand (A>T on the coding strand, the complement: COPA is on the minus strand). VCF-style: chr1-160292494-T-A. GRCh37 (hg19) VCF-style: chr1-160262284-T-A.
Other names: c.2977A>T, p.Asn993Tyr (NM_001098398.2); short protein forms N984Y, N993Y.
Identifiers: ClinVar variation 3617929 (VCV003617929.2).

ClinVar aggregate classification (germline): Uncertain significance (1 of 4 stars; one submission).

Conditions:
Autoimmune interstitial lung disease-arthritis syndrome. Also called: Autoinflammation and autoimmunity, systemic, with immune dysregulation. Identifiers: Orphanet 444092, MedGen C5975714, MONDO:0014629.

Submission:

Labcorp Genetics (formerly Invitae), Labcorp
Classification: Uncertain significance for Autoimmune interstitial lung disease-arthritis syndrome. Last evaluated: 2024-12-13. Review status: criteria provided, single submitter. Criteria: Invitae Variant Classification Sherloc (09022015). Collection method: clinical testing. Allele origin: germline.
Comment: This sequence change replaces asparagine, which is neutral and polar, with tyrosine, which is neutral and polar, at codon 984 of the COPA protein (p.Asn984Tyr). This variant is not present in population databases (gnomAD no frequency). This variant has not been reported in the literature in individuals affected with COPA-related conditions. Invitae Evidence Modeling of protein sequence and biophysical properties (such as structural, functional, and spatial information, amino acid conservation, physicochemical variation, residue mobility, and thermodynamic stability) indicates that this missense variant is not expected to disrupt COPA protein function with a negative predictive value of 80%. In summary, the available evidence is currently insufficient to determine the role of this variant in disease. Therefore, it has been classified as a Variant of Uncertain Significance.